The following is an entry in ClinVar:

ClinVar aggregate classification (germline): Benign/Likely benign. Review status: criteria provided, multiple submitters, no conflicts (2 of 4 stars). 4 submissions from 4 submitters: Benign (1); Likely benign (2). 1 of the submissions does not count toward it. Last evaluated 2025-01-23.

Conditions:
TBCD-related disorder. Also called: TBCD-related condition.

Allele frequency attached by ClinVar (database versions not stated): TOPMed 0.00013; gnomAD 0.00017 and 0.00012; ExAC 0.00020; gnomAD exomes 0.00024 and 0.00011; 1000 Genomes Project 0.00040; 1000 Genomes Project 30x 0.00047.
gnomAD v4.1: 205 of 1,613,924 alleles (0.013%); highest among the groups gnomAD compares: East Asian, 0.15%; no homozygotes.

Submissions (4):

Labcorp Genetics (formerly Invitae), Labcorp
Classification: Benign. Last evaluated: 2025-01-23. Review status: criteria provided, single submitter. Criteria: Invitae Variant Classification Sherloc (09022015). Collection method: clinical testing. Allele origin: germline.

Blueprint Genetics
Classification: Likely benign. Last evaluated: 2024-11-27. Review status: criteria provided, single submitter. Criteria: ACMG Guidelines, 2015. Collection method: clinical testing. Allele origin: germline.

CeGaT Center for Human Genetics Tuebingen
Classification: Likely benign. Last evaluated: 2024-11-01. Review status: criteria provided, single submitter. Criteria: CeGaT Center For Human Genetics Tuebingen Variant Classification Criteria Version 2. Collection method: clinical testing. Allele origin: germline. Affected: yes. Observed: 1 variant allele.
Comment: TBCD: BP4, BP7

PreventionGenetics, part of Exact Sciences
Classification: Likely benign for TBCD-related condition. Last evaluated: 2019-03-28. Review status: no assertion criteria provided. Collection method: clinical testing. Allele origin: germline. Not counted in ClinVar's aggregate classification.
Comment: This variant is classified as likely benign based on ACMG/AMP sequence variant interpretation guidelines (Richards et al. 2015 PMID: 25741868, with internal and published modifications).

NM_005993.5(TBCD):c.474C>T (p.Ser158=)

Gene: TBCD (tubulin folding cofactor D). Cytogenetic location: 17q25.3.
Variant type: single nucleotide variant.
Coding change: c.474C>T on transcript NM_005993.5 (MANE Select); coding-DNA position 474, C replaced by T.
Protein change: p.Ser158=; no amino-acid change (serine 158 retained).
Molecular consequence: synonymous variant.
Genome position (GRCh38, 1-based): chr17:82,768,458, C>T. VCF-style: chr17-82768458-C-T. GRCh37 (hg19) VCF-style: chr17-80726334-C-T.
Other names: c.474C>T (NM_005993.4).
Identifiers: ClinVar variation 1664191 (VCV001664191.25), dbSNP rs193221478, ClinGen allele CA8861639.
Genomic context (GRCh38, chr17:82,768,458, plus strand): 5'-TTCCCGTGGTTTAATTTTTTAGGCTTGGGAAACCCGCTACATGCTTTTGCTCTGGCTCTC[C>T]GTGACCTGCCTGATCCCTTTTGATTTTTCTCGCCTTGACGGGAACCTCCTCACCCAGCCT-3'
Protein context (NP_005984.3, residues 148-168): ETRYMLLLWL[Ser158=]VTCLIPFDFS